The following is an entry in ClinVar:

ClinVar aggregate classification (germline): Uncertain significance (1 of 4 stars; one submission).

Conditions:
Hereditary cancer-predisposing syndrome. Also called: Hereditary neoplastic syndrome; Neoplastic Syndromes, Hereditary; Tumor predisposition; Hereditary Cancer Syndrome. Identifiers: Orphanet 140162, MedGen C0027672, MeSH D009386, MONDO:0015356.

Submission:

Ambry Genetics
Classification: Uncertain significance for Hereditary cancer-predisposing syndrome. Last evaluated: 2025-07-30. Review status: criteria provided, single submitter. Criteria: Ambry Variant Classification Scheme 2023. Collection method: clinical testing. Allele origin: germline.
Comment: The p.P2522S variant (also known as c.7564C>T), located in coding exon 15 of the APC gene, results from a C to T substitution at nucleotide position 7564. The proline at codon 2522 is replaced by serine, an amino acid with similar properties. This amino acid position is conserved. In addition, in silico predictors for this gene do not accurately predict pathogenicity. Based on the available evidence, the clinical significance of this variant remains unclear.

NM_000038.6(APC):c.7564C>T (p.Pro2522Ser)

Gene: APC (APC regulator of Wnt signaling pathway; plus strand). Cytogenetic location: 5q22.2.
Variant type: single nucleotide variant.
Coding change: c.7564C>T on transcript NM_000038.6 (MANE Select); coding-DNA position 7564, C replaced by T.
Protein change: p.Pro2522Ser; replaces proline 2522 with serine.
Molecular consequence: missense variant. On other transcripts: non-coding transcript variant (2).
Genome position (GRCh38, 1-based): chr5:112,843,158, C>T. VCF-style: chr5-112843158-C-T. GRCh37 (hg19) VCF-style: chr5-112178855-C-T.
Other names: c.7564C>T, p.Pro2522Ser (NM_001127510.3, NM_001354895.2, NM_001407450.1); c.7510C>T, p.Pro2504Ser (NM_001127511.3); c.7618C>T, p.Pro2540Ser (NM_001354896.2, NM_001407447.1, NM_001407448.1 and 1 more transcripts); c.7594C>T, p.Pro2532Ser (NM_001354897.2); c.7489C>T, p.Pro2497Ser (NM_001354898.2); c.7480C>T, p.Pro2494Ser (NM_001354899.2); c.7441C>T, p.Pro2481Ser (NM_001354900.2); c.7387C>T, p.Pro2463Ser (NM_001354901.2, NM_001407453.1); and 11 more; short protein forms P2362S, P2393S, P2463S, P2494S, P2540S, P2504S, P2515S, P2138S.
Identifiers: ClinVar variation 4119113 (VCV004119113.1).